The following is an entry in ClinVar:

NM_001199107.2(TBC1D24):c.1526-2A>C

Gene: TBC1D24 (TBC1 domain family member 24; plus strand). Cytogenetic location: 16p13.3.
Variant type: single nucleotide variant.
Coding change: c.1526-2A>C on transcript NM_001199107.2 (MANE Select); the canonical splice acceptor site of the intron before coding-DNA position 1526, A replaced by C.
Molecular consequence: splice acceptor variant.
Genome position (GRCh38, 1-based): chr16:2,500,802, A>C. VCF-style: chr16-2500802-A-C. GRCh37 (hg19) VCF-style: chr16-2550803-A-C.
Other names: c.1508-2A>C (NM_020705.3).
Identifiers: ClinVar variation 429729 (VCV000429729.11), dbSNP rs1131691552, ClinGen allele CA394381435.
Genomic context (GRCh38, chr16:2,500,802, plus strand): 5'-TGAGGTGCCTGGGTCAGTGCTGATAGGGCAGTCAGGCCGCCACTGACCTGAGCATCCTGC[A>C]GGGGGAGGAGGCGGCCAGGCGCTCTACATCGATGGGGACCTGAACCGGGGCCGCACAAGC-3'

ClinVar aggregate classification (germline): Conflicting classifications of pathogenicity. Review status: criteria provided, conflicting classifications (1 of 4 stars). 2 submissions from 2 submitters: Pathogenic (1); Uncertain significance (1). Last evaluated 2024-10-24.

Conditions:
Developmental and epileptic encephalopathy, 1 (DEE1). Also called: X-linked infantile spasms; West's syndrome; Tonic spasms with clustering, arrest of psychomotor development and hypsarrhythmia on EEG; X-Linked Infantile Spasm Syndrome; OHTAHARA SYNDROME, X-LINKED; Epileptic encephalopathy, early infantile, 1. Identifiers: MedGen C3463992, MONDO:0010632, OMIM 308350. Disease mechanism: loss of function.
Autosomal dominant nonsyndromic hearing loss 65. Also called: Deafness, autosomal dominant 65; TBC1D24-Related Autosomal Dominant Nonsyndromic Hearing Loss (DFNA). Identifiers: Orphanet 90635, MedGen C3892048, MONDO:0014470, OMIM 616044.

Submissions (2):

Labcorp Genetics (formerly Invitae), Labcorp
Classification: Uncertain significance for Developmental and epileptic encephalopathy, 1; Autosomal dominant nonsyndromic hearing loss 65. Last evaluated: 2024-10-24. Review status: criteria provided, single submitter. Criteria: Invitae Variant Classification Sherloc (09022015). Collection method: clinical testing. Allele origin: germline.
Comment: This sequence change affects an acceptor splice site in intron 7 of the TBC1D24 gene. While this variant is not anticipated to result in nonsense mediated decay, it likely alters RNA splicing and results in a disrupted protein product. This variant is not present in population databases (gnomAD no frequency). Disruption of this splice site has been observed in individual(s) with clinical features of autosomal recessive TBC1D24-related conditions (PMID: 29655203, 31112829, 32369273). In at least one individual the data is consistent with being in trans (on the opposite chromosome) from a pathogenic variant. ClinVar contains an entry for this variant (Variation ID: 429729). Variants that disrupt the consensus splice site are a relatively common cause of aberrant splicing (PMID: 17576681, 9536098). Algorithms developed to predict the effect of sequence changes on RNA splicing suggest that this variant may disrupt the consensus splice site. In summary, the available evidence is currently insufficient to determine the role of this variant in disease. Therefore, it has been classified as a Variant of Uncertain Significance.

GeneDx
Classification: Pathogenic. Last evaluated: 2021-11-09. Review status: criteria provided, single submitter. Criteria: GeneDx Variant Classification Process June 2021. Collection method: clinical testing. Allele origin: germline. Affected: yes.
Comment: Canonical splice site variant predicted to result in a null allele in a gene for which loss-of-function is a known mechanism of disease; Not observed at significant frequency in large population cohorts (Lek et al., 2016); This variant is associated with the following publications: (PMID: 29655203, 31112829)

Literature cited by the submitters: PubMed 29655203 (cited by Labcorp Genetics (formerly Invitae), Labcorp); PubMed 31112829 (cited by Labcorp Genetics (formerly Invitae), Labcorp); PubMed 32369273 (cited by Labcorp Genetics (formerly Invitae), Labcorp); PubMed 17576681 (cited by Labcorp Genetics (formerly Invitae), Labcorp); PubMed 9536098 (cited by Labcorp Genetics (formerly Invitae), Labcorp).